The following is an entry in ClinVar:

ClinVar aggregate classification (germline): Uncertain significance. Review status: criteria provided, multiple submitters, no conflicts (2 of 4 stars). 2 submissions from 2 submitters: Uncertain significance (2). Last evaluated 2026-08-27.

Conditions:
Inborn genetic diseases. Identifiers: MedGen C0950123, MeSH D030342.

gnomAD v4.1: 13 of 1,606,572 alleles (0.00081%); highest among the groups gnomAD compares: African/African-American, 0.0053%; no homozygotes.

Submissions (2):

Ambry Genetics
Classification: Uncertain significance for Inborn genetic diseases. Last evaluated: 2026-08-27. Review status: criteria provided, single submitter. Criteria: Ambry Variant Classification Scheme 2023. Collection method: clinical testing. Allele origin: germline.

GeneDx
Classification: Uncertain significance. Last evaluated: 2024-05-22. Review status: criteria provided, single submitter. Criteria: GeneDx Variant Classification Process June 2021. Collection method: clinical testing. Allele origin: germline. Affected: yes.
Comment: In silico analysis indicates that this missense variant does not alter protein structure/function; Has not been previously published as pathogenic or benign to our knowledge

NM_018149.7(SMG8):c.1811G>A (p.Arg604Gln)

Gene: SMG8 (SMG8 nonsense mediated mRNA decay factor; plus strand). Cytogenetic location: 17q22.
Variant type: single nucleotide variant.
Coding change: c.1811G>A on transcript NM_018149.7 (MANE Select); coding-DNA position 1811, G replaced by A.
Protein change: p.Arg604Gln; replaces arginine 604 with glutamine.
Molecular consequence: missense variant.
Genome position (GRCh38, 1-based): chr17:59,212,392, G>A. VCF-style: chr17-59212392-G-A. GRCh37 (hg19) VCF-style: chr17-57289753-G-A.
Other names: short protein forms R604Q.
Identifiers: ClinVar variation 3320958 (VCV003320958.3).